The following is an entry in ClinVar:

NM_000878.5(IL2RB):c.1636G>C (p.Asp546His)

Gene: IL2RB (interleukin 2 receptor subunit beta; minus strand). Cytogenetic location: 22q12.3.
Variant type: single nucleotide variant.
Coding change: c.1636G>C on transcript NM_000878.5 (MANE Select); coding-DNA position 1636, G replaced by C.
Protein change: p.Asp546His; replaces aspartic acid 546 with histidine.
Molecular consequence: missense variant.
Genome position (GRCh38, 1-based): chr22:37,128,116, C>G on the plus strand (G>C on the coding strand, the complement: IL2RB is on the minus strand). VCF-style: chr22-37128116-C-G. GRCh37 (hg19) VCF-style: chr22-37524156-C-G.
Other names: c.1636G>C, p.Asp546His (NM_001346222.1, NM_001346223.2); short protein forms D546H.
Identifiers: ClinVar variation 4812045 (VCV004812045.1).

ClinVar aggregate classification (germline): Uncertain significance (1 of 4 stars; one submission).

gnomAD v4.1: 12 of 1,574,498 alleles (0.00076%); highest among the groups gnomAD compares: Middle Eastern, 0.017%; 1 homozygote.

Submission:

Labcorp Genetics (formerly Invitae), Labcorp
Classification: Uncertain significance. Last evaluated: 2026-01-13. Review status: criteria provided, single submitter. Criteria: Invitae Variant Classification Sherloc (09022015). Collection method: clinical testing. Allele origin: germline.
Comment: This sequence change replaces aspartic acid, which is acidic and polar, with histidine, which is basic and polar, at codon 546 of the IL2RB protein (p.Asp546His). This variant is not present in population databases (gnomAD no frequency). This variant has not been reported in the literature in individuals affected with IL2RB-related conditions. An algorithm developed to predict the effect of missense changes on protein structure and function (PolyPhen-2) suggests that this variant is likely to be disruptive. In summary, the available evidence is currently insufficient to determine the role of this variant in disease. Therefore, it has been classified as a Variant of Uncertain Significance.